The following is an entry in ClinVar:

NM_000535.7(PMS2):c.215G>T (p.Gly72Val)

Gene: PMS2 (PMS1 homolog 2, mismatch repair system component; minus strand). Cytogenetic location: 7p22.1.
Variant type: single nucleotide variant.
Coding change: c.215G>T on transcript NM_000535.7 (MANE Select); coding-DNA position 215, G replaced by T.
Protein change: p.Gly72Val; replaces glycine 72 with valine.
Molecular consequence: missense variant. On other transcripts: 5 prime UTR variant (44), non-coding transcript variant (1), intron variant (1).
Genome position (GRCh38, 1-based): chr7:6,004,007, C>A on the plus strand (G>T on the coding strand, the complement: PMS2 is on the minus strand). VCF-style: chr7-6004007-C-A. GRCh37 (hg19) VCF-style: chr7-6043638-C-A.
Other names: c.215G>T, p.Gly72Val (NM_001406871.1, NM_001406872.1, NM_001406873.1 and 10 more transcripts); c.-270G>T (NM_001406875.1, NM_001406877.1, NM_001406878.1 and 3 more transcripts); c.-1G>T (NM_001406876.1, NM_001406883.1, NM_001322007.2 and 4 more transcripts); c.-217G>T (NM_001406880.1); c.-167G>T (NM_001406881.1, NM_001406900.1); c.-191G>T (NM_001018040.1, NM_001322003.2, NM_001322004.2 and 14 more transcripts); c.-670G>T (NM_001322011.2, NM_001322012.2); c.401G>T, p.Gly134Val (NM_001406866.1); and 3 more; short protein forms G72V, G134V.
Identifiers: ClinVar variation 642119 (VCV000642119.13), dbSNP rs730881915, ClinGen allele CA366744832.

ClinVar aggregate classification (germline): Conflicting classifications of pathogenicity. Review status: criteria provided, conflicting classifications (1 of 4 stars). 3 submissions from 3 submitters: Likely pathogenic (1); Uncertain significance (2). Last evaluated 2026-03-05.

Conditions:
Hereditary nonpolyposis colorectal neoplasms. Identifiers: MedGen C0009405, MeSH D003123.
Hereditary cancer-predisposing syndrome. Also called: Neoplastic Syndromes, Hereditary; Hereditary neoplastic syndrome; Tumor predisposition; Hereditary Cancer Syndrome. Identifiers: Orphanet 140162, MedGen C0027672, MeSH D009386, MONDO:0015356.
Mismatch repair cancer syndrome 4. Identifiers: MedGen C5436817, MONDO:0030843, OMIM 619101.
Lynch syndrome 4 (LYNCH4). Also called: Colorectal cancer, hereditary nonpolyposis, type 4; Hereditary non-polyposis colorectal cancer, type 4. Identifiers: Orphanet 144, MedGen C1838333, MONDO:0013699, OMIM 614337. Disease mechanism: loss of function.

Submissions (3):

Ambry Genetics
Classification: Likely pathogenic for Hereditary cancer-predisposing syndrome. Last evaluated: 2026-03-05. Review status: criteria provided, single submitter. Criteria: Ambry Variant Classification Scheme 2023. Collection method: clinical testing. Allele origin: germline.
Comment: The p.G72V variant (also known as c.215G>T), located in coding exon 3 of the PMS2 gene, results from a G to T substitution at nucleotide position 215. The glycine at codon 72 is replaced by valine, an amino acid with dissimilar properties. Based on internal structural analysis, this variant is anticipated to result in a significant decrease in structural stability (D'Arcy BM et al. Mol Genet Genomic Med, 2022 Feb;10:e1908;Guarn&eacute; A et al. EMBO J, 2001 Oct;20:5521-31). Other variant(s) at the same codon, p.G72E (c.215G>A), have been identified in individual(s) with features consistent with PMS2-related Lynch syndrome (Ambry internal data).This amino acid position is highly conserved in available vertebrate species. In addition, this alteration is predicted to be deleterious by in silico analysis. This variant is considered to be rare based on population cohorts in the Genome Aggregation Database (gnomAD). Based on the majority of available evidence to date, this variant is likely to be pathogenic.

Department of Pathology and Laboratory Medicine, Sinai Health System
Classification: Uncertain significance for Lynch syndrome 4; Mismatch repair cancer syndrome 4. Last evaluated: 2022-06-07. Review status: criteria provided, single submitter. Criteria: ACMG Guidelines, 2015. Collection method: clinical testing. Allele origin: germline. Affected: yes.

Labcorp Genetics (formerly Invitae), Labcorp
Classification: Uncertain significance for Hereditary nonpolyposis colorectal neoplasms. Last evaluated: 2018-10-30. Review status: criteria provided, single submitter. Criteria: Invitae Variant Classification Sherloc (09022015). Collection method: clinical testing. Allele origin: germline.
Comment: In summary, the available evidence is currently insufficient to determine the role of this variant in disease. Therefore, it has been classified as a Variant of Uncertain Significance. Algorithms developed to predict the effect of sequence changes on RNA splicing suggest that this variant may create or strengthen a splice site, but this prediction has not been confirmed by published transcriptional studies. Algorithms developed to predict the effect of missense changes on protein structure and function are either unavailable or do not agree on the potential impact of this missense change (SIFT: "Deleterious"; PolyPhen-2: "Probably Damaging"; Align-GVGD: "Class C15"). This variant has not been reported in the literature in individuals with PMS2-related disease. This variant is not present in population databases (ExAC no frequency). This sequence change replaces glycine with valine at codon 72 of the PMS2 protein (p.Gly72Val). The glycine residue is highly conserved and there is a moderate physicochemical difference between glycine and valine.

Literature cited by the submitters: PubMed 11574484 (cited by Ambry Genetics); PubMed 35189042 (cited by Ambry Genetics).